The following is an entry in ClinVar:

ClinVar aggregate classification (germline): Pathogenic (1 of 4 stars; one submission).

Submission:

Labcorp Genetics (formerly Invitae), Labcorp
Classification: Pathogenic. Last evaluated: 2019-10-23. Review status: criteria provided, single submitter. Criteria: Invitae Variant Classification Sherloc (09022015). Collection method: clinical testing. Allele origin: germline.
Comment: This sequence change creates a premature translational stop signal (p.Tyr2643Metfs*32) in the KMT2A gene. It is expected to result in an absent or disrupted protein product. For these reasons, this variant has been classified as Pathogenic. Loss-of-function variants in KMT2A are known to be pathogenic (PMID: 22795537, 25810209). This variant has not been reported in the literature in individuals with KMT2A-related conditions. This variant is not present in population databases (ExAC no frequency).

Literature cited by the submitters: PubMed 22795537; PubMed 25810209.

NM_001197104.2(KMT2A):c.7926del (p.Tyr2643fs)

Gene: KMT2A (lysine methyltransferase 2A; plus strand). Cytogenetic location: 11q23.3.
Variant type: Deletion.
Coding change: c.7926del on transcript NM_001197104.2 (MANE Select); coding-DNA position 7926, one base deleted (C; older notation c.7926delC).
Protein change: p.Tyr2643fs; shifts the reading frame from tyrosine 2643.
Molecular consequence: frameshift variant.
Genome position (GRCh38, 1-based): chr11:118,503,818, C deleted; the last of 2 consecutive C bases (chr11:118,503,817-118,503,818); deleting either gives the same sequence. VCF-style (leftmost placement, unchanged base first): chr11-118503816-TC-T. GRCh37 (hg19) VCF-style: chr11-118374531-TC-T.
Other names: c.7917del, p.Tyr2640fs (NM_005933.4); short protein forms Y2640fs, Y2643fs.
Identifiers: ClinVar variation 972359 (VCV000972359.7), dbSNP rs1950539848, ClinGen allele CA1139662348.